The following is an entry in ClinVar:

NM_001148.6(ANK2):c.2283C>T (p.Gly761=)

Gene: ANK2 (ankyrin 2; plus strand). Cytogenetic location: 4q26.
Variant type: single nucleotide variant.
Coding change: c.2283C>T on transcript NM_001148.6 (MANE Select); coding-DNA position 2283, C replaced by T.
Protein change: p.Gly761=; no amino-acid change (glycine 761 retained).
Molecular consequence: synonymous variant.
Genome position (GRCh38, 1-based): chr4:113,292,421, C>T. VCF-style: chr4-113292421-C-T. GRCh37 (hg19) VCF-style: chr4-114213577-C-T.
Other names: c.2220C>T, p.Gly740= (NM_001127493.3, NM_001354239.2, NM_001354243.2 and 10 more transcripts); c.2283C>T, p.Gly761= (NM_001354225.2, NM_001354228.2, NM_001354232.2 and 6 more transcripts); c.2328C>T, p.Gly776= (NM_001354230.2, NM_001354231.2, NM_001354237.2 and 5 more transcripts); c.2184C>T, p.Gly728= (NM_001354245.2, NM_001354268.2); c.2196C>T, p.Gly732= (NM_001354249.2, NM_001354264.2, NM_001354266.2 and 10 more transcripts); c.2121C>T, p.Gly707= (NM_001354253.2, NM_001354257.2, NM_001354270.2 and 1 more transcripts); c.2097C>T, p.Gly699= (NM_001354260.2, NM_001354271.2, NM_001386151.1); c.2241C>T, p.Gly747= (NM_001354261.2, NM_001386147.1, NM_001386160.1); and 8 more.
Identifiers: ClinVar variation 517835 (VCV000517835.1), dbSNP rs1554432643, ClinGen allele CA440832681.
Genomic context (GRCh38, chr4:113,292,421, plus strand): 5'-TTTTCCTCTCCCTCTGCCAATCGGGTGCTGGGCCCGCCACCACTGTCCTCCACAGAACGG[C>T]TACACGCCTTTGCACCAGGCCGCTCAGCAGGGTCACACGCACATCATCAACGTCCTGCTC-3'
Protein context (NP_001139.3, residues 751-771): GANVNAKTKN[Gly761=]YTPLHQAAQQ

ClinVar aggregate classification (germline): Likely benign (1 of 4 stars; one submission).

Submission:

GeneDx
Classification: Likely benign. Last evaluated: 2017-04-05. Review status: criteria provided, single submitter. Criteria: GeneDx Variant Classification (06012015). Collection method: clinical testing. Allele origin: germline. Affected: yes.
Comment: This variant is considered likely benign or benign based on one or more of the following criteria: it is a conservative change, it occurs at a poorly conserved position in the protein, it is predicted to be benign by multiple in silico algorithms, and/or has population frequency not consistent with disease.